The following is an entry in ClinVar:

NM_004548.3(NDUFB10):c.172T>C (p.Tyr58His)

Gene: NDUFB10 (NADH:ubiquinone oxidoreductase subunit B10; plus strand). Cytogenetic location: 16p13.3.
Variant type: single nucleotide variant.
Coding change: c.172T>C on transcript NM_004548.3 (MANE Select); coding-DNA position 172, T replaced by C.
Protein change: p.Tyr58His; replaces tyrosine 58 with histidine.
Molecular consequence: missense variant.
Genome position (GRCh38, 1-based): chr16:1,961,194, T>C. VCF-style: chr16-1961194-T-C. GRCh37 (hg19) VCF-style: chr16-2011195-T-C.
Other names: short protein forms Y58H.
Identifiers: ClinVar variation 4751860 (VCV004751860.1).
Genomic context (GRCh38, chr16:1,961,194, plus strand): 5'-TGTGGCTTTGTCTTTGCAGAATTTATAGAGCGGCAGCACGCAAAGAACAGGTATTACTAC[T>C]ACCACCGGCAGTACCGCCGCGTGCCAGACATCACTGAGTGCAAGGAGGAGGACATCATGT-3'
Protein context (NP_004539.1, residues 48-68): RQHAKNRYYY[Tyr58His]HRQYRRVPDI

ClinVar aggregate classification (germline): Uncertain significance (1 of 4 stars; one submission).

Submission:

Labcorp Genetics (formerly Invitae), Labcorp
Classification: Uncertain significance. Last evaluated: 2025-09-23. Review status: criteria provided, single submitter. Criteria: Invitae Variant Classification Sherloc (09022015). Collection method: clinical testing. Allele origin: germline.
Comment: This sequence change replaces tyrosine, which is neutral and polar, with histidine, which is basic and polar, at codon 58 of the NDUFB10 protein (p.Tyr58His). This variant is present in population databases (rs746790349, gnomAD 0.01%). This variant has not been reported in the literature in individuals affected with NDUFB10-related conditions. An algorithm developed to predict the effect of missense changes on protein structure and function (PolyPhen-2) suggests that this variant is likely to be disruptive. In summary, the available evidence is currently insufficient to determine the role of this variant in disease. Therefore, it has been classified as a Variant of Uncertain Significance.